The following is an entry in ClinVar:

ClinVar aggregate classification (germline): Uncertain significance (1 of 4 stars; one submission).

Submission:

Labcorp Genetics (formerly Invitae), Labcorp
Classification: Uncertain significance. Last evaluated: 2025-07-24. Review status: criteria provided, single submitter. Criteria: Invitae Variant Classification Sherloc (09022015). Collection method: clinical testing. Allele origin: germline.
Comment: This sequence change replaces aspartic acid, which is acidic and polar, with glutamic acid, which is acidic and polar, at codon 255 of the RP2 protein (p.Asp255Glu). This variant is not present in population databases (gnomAD no frequency). This variant has not been reported in the literature in individuals affected with RP2-related conditions. Invitae Evidence Modeling of protein sequence and biophysical properties (such as structural, functional, and spatial information, amino acid conservation, physicochemical variation, residue mobility, and thermodynamic stability) indicates that this missense variant is not expected to disrupt RP2 protein function with a negative predictive value of 95%. In summary, the available evidence is currently insufficient to determine the role of this variant in disease. Therefore, it has been classified as a Variant of Uncertain Significance.

NM_006915.3(RP2):c.765T>G (p.Asp255Glu)

Gene: RP2 (RP2 activator of ARL3 GTPase; plus strand). Cytogenetic location: Xp11.3.
Variant type: single nucleotide variant.
Coding change: c.765T>G on transcript NM_006915.3 (MANE Select); coding-DNA position 765, T replaced by G.
Protein change: p.Asp255Glu; replaces aspartic acid 255 with glutamic acid.
Molecular consequence: missense variant.
Genome position (GRCh38, 1-based): chrX:46,854,138, T>G. VCF-style: chrX-46854138-T-G. GRCh37 (hg19) VCF-style: chrX-46713573-T-G.
Other names: short protein forms D255E.
Identifiers: ClinVar variation 4766704 (VCV004766704.1).